The following is an entry in ClinVar:

NM_005554.4(KRT6A):c.845T>A (p.Val282Asp)

Gene: KRT6A (keratin 6A; minus strand). Cytogenetic location: 12q13.13.
Variant type: single nucleotide variant.
Coding change: c.845T>A on transcript NM_005554.4 (MANE Select); coding-DNA position 845, T replaced by A.
Protein change: p.Val282Asp; replaces valine 282 with aspartic acid.
Molecular consequence: missense variant.
Genome position (GRCh38, 1-based): chr12:52,490,925, A>T on the plus strand (T>A on the coding strand, the complement: KRT6A is on the minus strand). VCF-style: chr12-52490925-A-T. GRCh37 (hg19) VCF-style: chr12-52884709-A-T.
Other names: c.845T>A (NM_005554.3); short protein forms V282D.
Identifiers: ClinVar variation 4760066 (VCV004760066.2).
Genomic context (GRCh38, chr12:52,490,925, plus strand): 5'-TACAAGGCTCTCAGGAAGTTGATCTCGTCTGTGAGAGTGTCTGCCTTGGCTTGCAGTTCA[A>T]CCTTGTTCATGTAGGCAGCATCCACATCCTGGGGAAAGAGCCAACAACCTGGAGTTACCT-3'
Protein context (NP_005545.1, residues 272-292): KDVDAAYMNK[Val282Asp]ELQAKADTLT

ClinVar aggregate classification (germline): Uncertain significance. Review status: criteria provided, multiple submitters, no conflicts (2 of 4 stars). 2 submissions from 2 submitters: Uncertain significance (2). Last evaluated 2026-07-01.

Conditions:
Inborn genetic diseases. Identifiers: MedGen C0950123, MeSH D030342.

gnomAD v4.1: 5 of 1,613,914 alleles (0.00031%); highest among the groups gnomAD compares: African/African-American, 0.0053%; no homozygotes.

Submissions (2):

Ambry Genetics
Classification: Uncertain significance for Inborn genetic diseases. Last evaluated: 2026-07-01. Review status: criteria provided, single submitter. Criteria: Ambry Variant Classification Scheme 2023. Collection method: clinical testing. Allele origin: germline.

Labcorp Genetics (formerly Invitae), Labcorp
Classification: Uncertain significance. Last evaluated: 2025-09-10. Review status: criteria provided, single submitter. Criteria: Invitae Variant Classification Sherloc (09022015). Collection method: clinical testing. Allele origin: germline.
Comment: This sequence change replaces valine, which is neutral and non-polar, with aspartic acid, which is acidic and polar, at codon 282 of the KRT6A protein (p.Val282Asp). This variant is not present in population databases (gnomAD no frequency). This variant has not been reported in the literature in individuals affected with KRT6A-related conditions. Invitae Evidence Modeling of protein sequence and biophysical properties (such as structural, functional, and spatial information, amino acid conservation, physicochemical variation, residue mobility, and thermodynamic stability) indicates that this missense variant is expected to disrupt KRT6A protein function with a positive predictive value of 95%. In summary, the available evidence is currently insufficient to determine the role of this variant in disease. Therefore, it has been classified as a Variant of Uncertain Significance.